The following is an entry in ClinVar:

ClinVar aggregate classification (germline): Uncertain significance (1 of 4 stars; one submission).

Conditions:
Bardet-Biedl syndrome (BBS). Identifiers: Orphanet 110, MedGen C0752166, MONDO:0015229.

Allele frequency attached by ClinVar (database versions not stated): gnomAD exomes 0.00001; TOPMed 0.00002; ExAC 0.00003; gnomAD 0.00003; ESP Exome Variant Server 0.00008.
gnomAD v4.1: 16 of 1,613,108 alleles (0.00099%); highest among the groups gnomAD compares: African/African-American, 0.0067%; no homozygotes.

Submission:

Labcorp Genetics (formerly Invitae), Labcorp
Classification: Uncertain significance for Bardet-Biedl syndrome. Last evaluated: 2025-06-12. Review status: criteria provided, single submitter. Criteria: Invitae Variant Classification Sherloc (09022015). Collection method: clinical testing. Allele origin: germline.
Comment: This sequence change replaces tyrosine, which is neutral and polar, with cysteine, which is neutral and slightly polar, at codon 552 of the WDPCP protein (p.Tyr552Cys). This variant is present in population databases (rs372500548, gnomAD 0.007%). This variant has not been reported in the literature in individuals affected with WDPCP-related conditions. ClinVar contains an entry for this variant (Variation ID: 2071540). Invitae Evidence Modeling of protein sequence and biophysical properties (such as structural, functional, and spatial information, amino acid conservation, physicochemical variation, residue mobility, and thermodynamic stability) indicates that this missense variant is expected to disrupt WDPCP protein function with a positive predictive value of 80%. In summary, the available evidence is currently insufficient to determine the role of this variant in disease. Therefore, it has been classified as a Variant of Uncertain Significance.

NM_015910.7(WDPCP):c.1655A>G (p.Tyr552Cys)

Gene: WDPCP (WD repeat containing planar cell polarity effector; minus strand). Cytogenetic location: 2p15.
Variant type: single nucleotide variant.
Coding change: c.1655A>G on transcript NM_015910.7 (MANE Select); coding-DNA position 1655, A replaced by G.
Protein change: p.Tyr552Cys; replaces tyrosine 552 with cysteine.
Molecular consequence: missense variant. On other transcripts: non-coding transcript variant (3).
Genome position (GRCh38, 1-based): chr2:63,378,479, T>C on the plus strand (A>G on the coding strand, the complement: WDPCP is on the minus strand). VCF-style: chr2-63378479-T-C. GRCh37 (hg19) VCF-style: chr2-63605614-T-C.
Other names: c.1178A>G, p.Tyr393Cys (NM_001042692.3); c.1583A>G, p.Tyr528Cys (NM_001354044.2); c.1655A>G, p.Tyr552Cys (NM_001354045.2); short protein forms Y552C, Y393C, Y528C.
Identifiers: ClinVar variation 2071540 (VCV002071540.4), dbSNP rs372500548, ClinGen allele CA1682161.